The following is an entry in ClinVar:

ClinVar aggregate classification (germline): Uncertain significance (1 of 4 stars; one submission).

Allele frequency attached by ClinVar (database versions not stated): gnomAD 0.00001; TOPMed 0.00001.
gnomAD v4.1: 11 of 1,613,906 alleles (0.00068%); highest among the groups gnomAD compares: African/African-American, 0.0013%; no homozygotes.

Submission:

Labcorp Genetics (formerly Invitae), Labcorp
Classification: Uncertain significance. Last evaluated: 2024-06-03. Review status: criteria provided, single submitter. Criteria: Invitae Variant Classification Sherloc (09022015). Collection method: clinical testing. Allele origin: germline.
Comment: This sequence change replaces glycine, which is neutral and non-polar, with arginine, which is basic and polar, at codon 1274 of the FBN3 protein (p.Gly1274Arg). This variant is present in population databases (no rsID available, gnomAD 0.005%). This variant has not been reported in the literature in individuals affected with FBN3-related conditions. Advanced modeling of protein sequence and biophysical properties (such as structural, functional, and spatial information, amino acid conservation, physicochemical variation, residue mobility, and thermodynamic stability) performed at Invitae indicates that this missense variant is not expected to disrupt FBN3 protein function with a negative predictive value of 80%. In summary, the available evidence is currently insufficient to determine the role of this variant in disease. Therefore, it has been classified as a Variant of Uncertain Significance.

NM_032447.5(FBN3):c.3820G>C (p.Gly1274Arg)

Gene: FBN3 (fibrillin 3; minus strand). Cytogenetic location: 19p13.2.
Variant type: single nucleotide variant.
Coding change: c.3820G>C on transcript NM_032447.5 (MANE Select); coding-DNA position 3820, G replaced by C.
Protein change: p.Gly1274Arg; replaces glycine 1274 with arginine.
Molecular consequence: missense variant.
Genome position (GRCh38, 1-based): chr19:8,115,533, C>G on the plus strand (G>C on the coding strand, the complement: FBN3 is on the minus strand). VCF-style: chr19-8115533-C-G. GRCh37 (hg19) VCF-style: chr19-8180417-C-G.
Other names: c.3820G>C, p.Gly1274Arg (NM_001321431.2); short protein forms G1274R.
Identifiers: ClinVar variation 2879662 (VCV002879662.3), dbSNP rs899701642, ClinGen allele CA304932949.